The following is an entry in ClinVar:

ClinVar aggregate classification (germline): Uncertain significance (1 of 4 stars; one submission).

Submission:

Labcorp Genetics (formerly Invitae), Labcorp
Classification: Uncertain significance. Last evaluated: 2023-11-20. Review status: criteria provided, single submitter. Criteria: Invitae Variant Classification Sherloc (09022015). Collection method: clinical testing. Allele origin: germline.
Comment: This sequence change replaces serine, which is neutral and polar, with threonine, which is neutral and polar, at codon 207 of the ASXL1 protein (p.Ser207Thr). This variant is not present in population databases (gnomAD no frequency). This variant has not been reported in the literature in individuals affected with ASXL1-related conditions. An algorithm developed to predict the effect of missense changes on protein structure and function (PolyPhen-2) suggests that this variant is likely to be tolerated. In summary, the available evidence is currently insufficient to determine the role of this variant in disease. Therefore, it has been classified as a Variant of Uncertain Significance.

NM_015338.6(ASXL1):c.620G>C (p.Ser207Thr)

Gene: ASXL1 (ASXL transcriptional regulator 1; plus strand). Cytogenetic location: 20q11.21.
Variant type: single nucleotide variant.
Coding change: c.620G>C on transcript NM_015338.6 (MANE Select); coding-DNA position 620, G replaced by C.
Protein change: p.Ser207Thr; replaces serine 207 with threonine.
Molecular consequence: missense variant. On other transcripts: intron variant (1).
Genome position (GRCh38, 1-based): chr20:32,429,955, G>C. VCF-style: chr20-32429955-G-C. GRCh37 (hg19) VCF-style: chr20-31017758-G-C.
Other names: c.535+524G>C (NM_001363734.1); short protein forms S207T.
Identifiers: ClinVar variation 2695312 (VCV002695312.3), dbSNP rs2123223501, ClinGen allele CA408552980.
Genomic context (GRCh38, chr20:32,429,955, plus strand): 5'-CTTCAGGGTTCTCGGGCTGCCACGCCGATGGCGAGAGCGGCAGCCCGTCCAGCAGCAGCA[G>C]CGGCTCTCTGGCCCTGGGCAGCGCTGCTATTCGTGGCCAGGCCGAGGTCACCCAGGACCC-3'
Protein context (NP_056153.2, residues 197-217): GESGSPSSSS[Ser207Thr]GSLALGSAAI